The following is an entry in ClinVar:

ClinVar aggregate classification (germline): Uncertain significance (1 of 4 stars; one submission).

gnomAD v4.1: 10 of 1,614,066 alleles (0.00062%); highest among the groups gnomAD compares: African/African-American, 0.0053%; no homozygotes.

Submission:

Labcorp Genetics (formerly Invitae), Labcorp
Classification: Uncertain significance. Last evaluated: 2024-04-03. Review status: criteria provided, single submitter. Criteria: Invitae Variant Classification Sherloc (09022015). Collection method: clinical testing. Allele origin: germline.
Comment: This sequence change replaces methionine, which is neutral and non-polar, with valine, which is neutral and non-polar, at codon 721 of the AHR protein (p.Met721Val). This variant is present in population databases (rs142052003, gnomAD 0.006%). This variant has not been reported in the literature in individuals affected with AHR-related conditions. Algorithms developed to predict the effect of missense changes on protein structure and function output the following: SIFT: "Not Available"; PolyPhen-2: "Benign"; Align-GVGD: "Not Available". The valine amino acid residue is found in multiple mammalian species, which suggests that this missense change does not adversely affect protein function. In summary, the available evidence is currently insufficient to determine the role of this variant in disease. Therefore, it has been classified as a Variant of Uncertain Significance.

NM_001621.5(AHR):c.2161A>G (p.Met721Val)

Gene: AHR (aryl hydrocarbon receptor; plus strand). Cytogenetic location: 7p21.1.
Variant type: single nucleotide variant.
Coding change: c.2161A>G on transcript NM_001621.5 (MANE Select); coding-DNA position 2161, A replaced by G.
Protein change: p.Met721Val; replaces methionine 721 with valine.
Molecular consequence: missense variant.
Genome position (GRCh38, 1-based): chr7:17,339,986, A>G. VCF-style: chr7-17339986-A-G. GRCh37 (hg19) VCF-style: chr7-17379610-A-G.
Other names: short protein forms M721V.
Identifiers: ClinVar variation 3709837 (VCV003709837.2).